The following is an entry in ClinVar:

NM_007373.4(SHOC2):c.*1775T>C

Gene: SHOC2 (SHOC2 leucine rich repeat scaffold protein; plus strand). Cytogenetic location: 10q25.2.
Variant type: single nucleotide variant.
Coding change: c.*1775T>C on transcript NM_007373.4 (MANE Select); 1775 bases downstream of the stop codon, T replaced by C.
Molecular consequence: 3 prime UTR variant. On other transcripts: non-coding transcript variant (1).
Genome position (GRCh38, 1-based): chr10:111,013,593, T>C. VCF-style: chr10-111013593-T-C. GRCh37 (hg19) VCF-style: chr10-112773351-T-C.
Other names: c.*1775T>C (NM_001269039.3, NM_001324336.2, NM_001324337.2).
Identifiers: ClinVar variation 298889 (VCV000298889.5), dbSNP rs535776105, ClinGen allele CA10634988.
Genomic context (GRCh38, chr10:111,013,593, plus strand): 5'-GCTGTAAAACTATTGTAGATGTCACTGGATTTTACCAAGTAATATCCTTTCTTTTTTTTT[T>C]CCCCCCATCTGCTGTGGCTTTTCAGTTAAAATTTTGTTTATAAAAGGAATTTGTTTATTA-3'

ClinVar aggregate classification (germline): Benign (1 of 4 stars; one submission).

Conditions:
Noonan syndrome-like disorder with loose anagen hair 1 (NSLH1). Also called: MAZZANTI SYNDROME; TOSTI SYNDROME. Identifiers: Orphanet 2701, MedGen C4478716, MONDO:0054637, OMIM 607721.

Allele frequency attached by ClinVar (database versions not stated): gnomAD 0.00157; TOPMed 0.00191; 1000 Genomes Project 0.00300; 1000 Genomes Project 30x 0.00375.

Submission:

Illumina Laboratory Services, Illumina
Classification: Benign for Noonan syndrome-like disorder with loose anagen hair 1. Last evaluated: 2018-01-13. Review status: criteria provided, single submitter. Criteria: ICSL Variant Classification Criteria 13 December 2019. Collection method: clinical testing. Allele origin: germline.
Comment: This variant was observed in the ICSL laboratory as part of a predisposition screen in an ostensibly healthy population. It had not been previously curated by ICSL or reported in the Human Gene Mutation Database (HGMD: prior to June 1st, 2018), and was therefore a candidate for classification through an automated scoring system. Utilizing variant allele frequency, disease prevalence and penetrance estimates, and inheritance mode, an automated score was calculated to assess if this variant is too frequent to cause the disease. Based on the score and internal cut-off values, a variant classified as benign is not then subjected to further curation. The score for this variant resulted in a classification of benign for this disease.